The following is an entry in ClinVar:

NM_003466.4(PAX8):c.601A>C (p.Ser201Arg)

Genes: PAX8 (paired box 8; minus strand), PAX8-AS1 (PAX8 antisense RNA 1; plus strand), LOC126806316 (P300/CBP strongly-dependent group 1 enhancer GRCh37_chr2:113998497-113999696; plus strand). Cytogenetic location: 2q14.1.
Variant type: single nucleotide variant.
Coding change: c.601A>C on transcript NM_003466.4 (MANE Select); coding-DNA position 601, A replaced by C.
Protein change: p.Ser201Arg; replaces serine 201 with arginine.
Molecular consequence: missense variant.
Genome position (GRCh38, 1-based): chr2:113,242,008, T>G on the plus strand (A>C on the coding strand, the complement: PAX8 is on the minus strand). VCF-style: chr2-113242008-T-G. GRCh37 (hg19) VCF-style: chr2-113999585-T-G.
Other names: c.601A>C, p.Ser201Arg (NM_013952.4, NM_013953.4, NM_013992.4); short protein forms S201R.
Identifiers: ClinVar variation 1328866 (VCV001328866.2), dbSNP rs1690894939, ClinGen allele CA348301392.

ClinVar aggregate classification (germline): Uncertain significance (1 of 4 stars; one submission).

Allele frequency attached by ClinVar (database versions not stated): TOPMed below 0.00001; gnomAD 0.00001; gnomAD exomes 0.00001.
gnomAD v4.1: 5 of 1,613,512 alleles (0.00031%); highest among the groups gnomAD compares: South Asian, 0.0055%; no homozygotes.

Submission:

GeneDx
Classification: Uncertain significance. Last evaluated: 2021-06-17. Review status: criteria provided, single submitter. Criteria: GeneDx Variant Classification Process June 2021. Collection method: clinical testing. Allele origin: germline. Affected: yes.
Comment: Not observed at significant frequency in large population cohorts (Lek et al., 2016); In silico analysis supports that this missense variant does not alter protein structure/function; Has not been previously published as pathogenic or benign to our knowledge; This variant is associated with the following publications: (PMID: 27535533)